The following is an entry in ClinVar:

NM_152703.5(SAMD9L):c.754G>T (p.Val252Leu)

Gene: SAMD9L (sterile alpha motif domain containing 9 like; minus strand). Cytogenetic location: 7q21.2.
Variant type: single nucleotide variant.
Coding change: c.754G>T on transcript NM_152703.5 (MANE Select); coding-DNA position 754, G replaced by T.
Protein change: p.Val252Leu; replaces valine 252 with leucine.
Molecular consequence: missense variant.
Genome position (GRCh38, 1-based): chr7:93,135,218, C>A on the plus strand (G>T on the coding strand, the complement: SAMD9L is on the minus strand). VCF-style: chr7-93135218-C-A. GRCh37 (hg19) VCF-style: chr7-92764531-C-A.
Other names: c.754G>T, p.Val252Leu (NM_001303496.3, NM_001303497.3, NM_001303498.3 and 5 more transcripts); short protein forms V252L.
Identifiers: ClinVar variation 2126544 (VCV002126544.4), dbSNP rs1792373272, ClinGen allele CA368201087.

ClinVar aggregate classification (germline): Uncertain significance (1 of 4 stars; one submission).

Allele frequency attached by ClinVar (database versions not stated): TOPMed below 0.00001.

Submission:

Labcorp Genetics (formerly Invitae), Labcorp
Classification: Uncertain significance. Last evaluated: 2025-04-28. Review status: criteria provided, single submitter. Criteria: Invitae Variant Classification Sherloc (09022015). Collection method: clinical testing. Allele origin: germline.
Comment: This sequence change replaces valine, which is neutral and non-polar, with leucine, which is neutral and non-polar, at codon 252 of the SAMD9L protein (p.Val252Leu). This variant is not present in population databases (gnomAD no frequency). This variant has not been reported in the literature in individuals affected with SAMD9L-related conditions. ClinVar contains an entry for this variant (Variation ID: 2126544). An algorithm developed to predict the effect of missense changes on protein structure and function outputs the following: PolyPhen-2: "Benign". The leucine amino acid residue is found in multiple mammalian species, which suggests that this missense change does not adversely affect protein function. In summary, the available evidence is currently insufficient to determine the role of this variant in disease. Therefore, it has been classified as a Variant of Uncertain Significance.